The following is an entry in ClinVar:

ClinVar aggregate classification (germline): Pathogenic (1 of 4 stars; one submission).

Conditions:
DPAGT1-congenital disorder of glycosylation. Also called: CONGENITAL DISORDER OF GLYCOSYLATION, TYPE Ij; CDG Ij; DPAGT1-CDG. Identifiers: Orphanet 86309, MedGen C2931004, MONDO:0011964, OMIM 608093.
Congenital myasthenic syndrome 13 (CMS13). Also called: Myasthenic syndrome, congenital, 13, with tubular aggregates; Myasthenic syndrome, congenital, with tubular aggregates 2. Identifiers: Orphanet 353327, Orphanet 590, MedGen C3553645, MONDO:0013883, OMIM 614750.

Submission:

Labcorp Genetics (formerly Invitae), Labcorp
Classification: Pathogenic for Congenital myasthenic syndrome 13; DPAGT1-congenital disorder of glycosylation. Last evaluated: 2025-04-23. Review status: criteria provided, single submitter. Criteria: Invitae Variant Classification Sherloc (09022015). Collection method: clinical testing. Allele origin: germline.
Comment: This sequence change creates a premature translational stop signal (p.Ser327Phefs*22) in the DPAGT1 gene. It is expected to result in an absent or disrupted protein product. Loss-of-function variants in DPAGT1 are known to be pathogenic (PMID: 22742743). This variant is present in population databases (rs754036071, gnomAD 0.01%). This variant has not been reported in the literature in individuals affected with DPAGT1-related conditions. For these reasons, this variant has been classified as Pathogenic.

Literature cited by the submitters: PubMed 22742743.

NM_001382.4(DPAGT1):c.980_981del (p.Ser327fs)

Gene: DPAGT1 (dolichyl-phosphate N-acetylglucosaminephosphotransferase 1; minus strand). Cytogenetic location: 11q23.3.
Variant type: Microsatellite.
Coding change: c.980_981del on transcript NM_001382.4 (MANE Select); coding-DNA positions 980 to 981, 2 bases deleted (CT; older notation c.980_981delCT).
Protein change: p.Ser327fs; shifts the reading frame from serine 327.
Molecular consequence: frameshift variant.
Genome position (GRCh38, 1-based): chr11:119,097,488-119,097,489, AG deleted on the plus strand (CT on the coding strand, the reverse complement: DPAGT1 is on the minus strand); deleting any 2 consecutive bases within chr11:119,097,488-119,097,493 gives the same sequence; the c. name uses the placement nearest the transcript's 3' end. VCF-style (leftmost placement, unchanged base first): chr11-119097487-AAG-A. GRCh37 (hg19) VCF-style: chr11-118968197-AAG-A.
Other names: short protein forms S327fs.
Identifiers: ClinVar variation 3752613 (VCV003752613.2).